The following is an entry in ClinVar:

NM_004360.5(CDH1):c.1318A>G (p.Lys440Glu)

Gene: CDH1 (cadherin 1; plus strand). Cytogenetic location: 16q22.1.
Variant type: single nucleotide variant.
Coding change: c.1318A>G on transcript NM_004360.5 (MANE Select); coding-DNA position 1318, A replaced by G.
Protein change: p.Lys440Glu; replaces lysine 440 with glutamic acid.
Molecular consequence: missense variant. On other transcripts: 5 prime UTR variant (2), intron variant (1).
Genome position (GRCh38, 1-based): chr16:68,813,493, A>G. VCF-style: chr16-68813493-A-G. GRCh37 (hg19) VCF-style: chr16-68847396-A-G.
Other names: c.-298A>G (NM_001317185.2); c.-502A>G (NM_001317186.2); c.1137+1230A>G (NM_001317184.2); c.1318A>G (NM_004360.4, LRG_301t1); short protein forms K440E.
Identifiers: ClinVar variation 231836 (VCV000231836.17), dbSNP rs778212100, ClinGen allele CA8130032.

ClinVar aggregate classification (germline): Uncertain significance. Review status: criteria provided, multiple submitters, no conflicts (2 of 4 stars). 4 submissions from 4 submitters: Uncertain significance (4). Last evaluated 2026-06-17.

Conditions:
CDH1-related disorder. Also called: CDH1-related condition.
Hereditary cancer-predisposing syndrome. Also called: Neoplastic Syndromes, Hereditary; Tumor predisposition; Hereditary Cancer Syndrome; Hereditary neoplastic syndrome. Identifiers: Orphanet 140162, MedGen C0027672, MeSH D009386, MONDO:0015356.
Hereditary diffuse gastric adenocarcinoma (HDGC). Also called: DIFFUSE GASTRIC AND LOBULAR BREAST CANCER SYNDROME. Identifiers: Orphanet 26106, MedGen C1708349, MONDO:0007648, OMIM 137215.

Allele frequency attached by ClinVar (database versions not stated): gnomAD exomes 0.00001; ExAC 0.00002; TOPMed 0.00002; gnomAD 0.00003.
gnomAD v4.1: 4 of 1,614,010 alleles (0.00025%); highest among the groups gnomAD compares: African/African-American, 0.0053%; no homozygotes.

Submissions (4):

PreventionGenetics, part of Exact Sciences
Classification: Uncertain significance for CDH1-related condition. Last evaluated: 2026-06-17. Review status: criteria provided, single submitter. Criteria: ACMG Guidelines, 2015. Collection method: clinical testing. Allele origin: germline.
Comment: The CDH1 c.1318A>G variant is predicted to result in the amino acid substitution p.Lys440Glu. To our knowledge, this variant has not been reported in the literature. This variant is reported in 0.012% of alleles in individuals of African descent in gnomAD and is reported as a variant of uncertain significance in ClinVar (Variation: 231836). At this time, the clinical significance of this variant is uncertain due to the absence of conclusive functional and genetic evidence.

Labcorp Genetics (formerly Invitae), Labcorp
Classification: Uncertain significance for Hereditary diffuse gastric adenocarcinoma. Last evaluated: 2026-01-08. Review status: criteria provided, single submitter. Criteria: Invitae Variant Classification Sherloc (09022015). Collection method: clinical testing. Allele origin: germline.
Comment: This sequence change replaces lysine, which is basic and polar, with glutamic acid, which is acidic and polar, at codon 440 of the CDH1 protein (p.Lys440Glu). This variant is present in population databases (rs778212100, gnomAD 0.01%). This variant has not been reported in the literature in individuals affected with CDH1-related conditions. ClinVar contains an entry for this variant (Variation ID: 231836). An algorithm developed to predict the effect of missense changes on protein structure and function (PolyPhen-2) suggests that this variant is likely to be disruptive. In summary, the available evidence is currently insufficient to determine the role of this variant in disease. Therefore, it has been classified as a Variant of Uncertain Significance.

Ambry Genetics
Classification: Uncertain significance for Hereditary cancer-predisposing syndrome. Last evaluated: 2025-02-17. Review status: criteria provided, single submitter. Criteria: Ambry Variant Classification Scheme 2023. Collection method: clinical testing. Allele origin: germline.
Comment: The p.K440E variant (also known as c.1318A>G), located in coding exon 9 of the CDH1 gene, results from an A to G substitution at nucleotide position 1318. The lysine at codon 440 is replaced by glutamic acid, an amino acid with similar properties. This variant was detected in multiple individuals with no reported features of CDH1-related diffuse gastric and lobular breast cancer (DGLBC) (Ambry internal data). This amino acid position is highly conserved in available vertebrate species. In addition, this alteration is predicted to be deleterious by in silico analysis. Based on the available evidence, the clinical significance of this variant remains unclear.

Women's Health and Genetics/Laboratory Corporation of America, LabCorp
Classification: Uncertain significance. Last evaluated: 2023-02-06. Review status: criteria provided, single submitter. Criteria: LabCorp Variant Classification Summary - May 2015. Collection method: clinical testing. Allele origin: germline.